The following is an entry in ClinVar:

ClinVar aggregate classification (germline): Uncertain significance (1 of 4 stars; one submission).

Conditions:
Hereditary antithrombin deficiency (AT3D). Also called: Reduced antithrombin III activity; Antithrombin III deficiency; Antithrombin deficiency; Thrombophilia due to antithrombin III deficiency. Identifiers: Orphanet 82, MedGen C0272375, MONDO:0013144, OMIM 613118, HP:0001976.

gnomAD v4.1: 36 of 1,613,844 alleles (0.0022%); highest among the groups gnomAD compares: Admixed American, 0.033%; no homozygotes.

Submission:

Labcorp Genetics (formerly Invitae), Labcorp
Classification: Uncertain significance for Hereditary antithrombin deficiency. Last evaluated: 2024-06-29. Review status: criteria provided, single submitter. Criteria: Invitae Variant Classification Sherloc (09022015). Collection method: clinical testing. Allele origin: germline.
Comment: This sequence change falls in intron 2 of the SERPINC1 gene. It does not directly change the encoded amino acid sequence of the SERPINC1 protein. It affects a nucleotide within the consensus splice site. This variant is present in population databases (rs578203617, gnomAD 0.04%). This variant has not been reported in the literature in individuals affected with SERPINC1-related conditions. Variants that disrupt the consensus splice site are a relatively common cause of aberrant splicing (PMID: 17576681, 9536098). Algorithms developed to predict the effect of sequence changes on RNA splicing suggest that this variant is not likely to affect RNA splicing. In summary, the available evidence is currently insufficient to determine the role of this variant in disease. Therefore, it has been classified as a Variant of Uncertain Significance.

Literature cited by the submitters: PubMed 17576681; PubMed 9536098.

NM_000488.4(SERPINC1):c.408+5G>C

Gene: SERPINC1 (serpin family C member 1; minus strand). Cytogenetic location: 1q25.1.
Variant type: single nucleotide variant.
Coding change: c.408+5G>C on transcript NM_000488.4 (MANE Select); 5 bases into the intron after coding-DNA position 408, G replaced by C.
Molecular consequence: intron variant.
Genome position (GRCh38, 1-based): chr1:173,914,548, C>G on the plus strand (G>C on the coding strand, the complement: SERPINC1 is on the minus strand). VCF-style: chr1-173914548-C-G. GRCh37 (hg19) VCF-style: chr1-173883686-C-G.
Other names: c.489+5G>C (NM_001386303.1); c.408+5G>C (NM_001386306.1, NM_001386304.1, NM_001386305.1 and 1 more transcripts); c.264+5G>C (NM_001365052.2).
Identifiers: ClinVar variation 3673049 (VCV003673049.2).
Genomic context (GRCh38, chr1:173,914,548, plus strand): 5'-TGGGCCTATGGAAGCCCCAAAGGTGCTCCTAACAAGGTGGCTGGGCAGAAGACCTTTGGT[C>G]GTACCTCCATCAGTTGCTGGAGGGTGTCATTACAGGCACCCAGCTTGGTCATAGCAAAAG-3'